The following is an entry in ClinVar:

ClinVar aggregate classification (germline): Likely pathogenic (1 of 4 stars; one submission).

Submission:

Dasa
Classification: Likely pathogenic. Last evaluated: 2025-08-06. Review status: criteria provided, single submitter. Criteria: DASA Assertion Criteria. Collection method: clinical testing. Allele origin: germline.
Comment: NM_001378418.1(TCF20):c.3268dup (p.Tyr1090Leufs*9) is a frameshift variant in TCF20 predicted to alter the reading frame and introduce a premature termination codon and is predicted to result in an absent or altered protein product. Loss of function is an established disease mechanism for TCF20 (PMID: 27436265; PMID: 25228304; PMID: 28135719). Also, this variant is absent from population databases. Based on the currently available evidence, this variant is classified as likely pathogenic.

Literature cited by the submitters: PubMed 27436265; PubMed 25228304; PubMed 28135719.

NM_001378418.1(TCF20):c.3268dup (p.Tyr1090fs)

Gene: TCF20 (transcription factor 20; minus strand). Cytogenetic location: 22q13.2.
Variant type: Duplication.
Coding change: c.3268dup on transcript NM_001378418.1 (MANE Select); coding-DNA position 3268, one base duplicated (T; older notation c.3268dupT).
Protein change: p.Tyr1090fs; shifts the reading frame from tyrosine 1090.
Molecular consequence: frameshift variant.
Genome position (GRCh38, 1-based): chr22:42,212,038, A duplicated on the plus strand (T on the coding strand, the reverse complement: TCF20 is on the minus strand). VCF-style (leftmost placement, unchanged base first): chr22-42212037-T-TA. GRCh37 (hg19) VCF-style: chr22-42608043-T-TA.
Other names: c.3268dup, p.Tyr1090fs (NM_005650.4, NM_181492.3); short protein forms Y1090fs.
Identifiers: ClinVar variation 4886527 (VCV004886527.2).